The following is an entry in ClinVar:

ClinVar aggregate classification (germline): Uncertain significance (1 of 4 stars; one submission).

Submission:

Labcorp Genetics (formerly Invitae), Labcorp
Classification: Uncertain significance. Last evaluated: 2022-01-28. Review status: criteria provided, single submitter. Criteria: Invitae Variant Classification Sherloc (09022015). Collection method: clinical testing. Allele origin: germline.
Comment: In summary, the available evidence is currently insufficient to determine the role of this variant in disease. Therefore, it has been classified as a Variant of Uncertain Significance. Algorithms developed to predict the effect of missense changes on protein structure and function are either unavailable or do not agree on the potential impact of this missense change (SIFT: "Deleterious"; PolyPhen-2: "Benign"; Align-GVGD: "Class C0"). This variant has not been reported in the literature in individuals affected with GPAA1-related conditions. This variant is not present in population databases (gnomAD no frequency). This sequence change replaces arginine, which is basic and polar, with leucine, which is neutral and non-polar, at codon 69 of the GPAA1 protein (p.Arg69Leu).

NM_003801.4(GPAA1):c.206G>T (p.Arg69Leu)

Gene: GPAA1 (glycosylphosphatidylinositol anchor attachment 1; plus strand). Cytogenetic location: 8q24.3.
Variant type: single nucleotide variant.
Coding change: c.206G>T on transcript NM_003801.4 (MANE Select); coding-DNA position 206, G replaced by T.
Protein change: p.Arg69Leu; replaces arginine 69 with leucine.
Molecular consequence: missense variant.
Genome position (GRCh38, 1-based): chr8:144,083,255, G>T. VCF-style: chr8-144083255-G-T. GRCh37 (hg19) VCF-style: chr8-145138158-G-T.
Other names: short protein forms R69L.
Identifiers: ClinVar variation 2062155 (VCV002062155.4), dbSNP rs2537314032, ClinGen allele CA372597641.